The following is an entry in ClinVar:

NM_001372.4(DNAH9):c.4033A>T (p.Asn1345Tyr)

Gene: DNAH9 (dynein axonemal heavy chain 9; plus strand). Cytogenetic location: 17p12.
Variant type: single nucleotide variant.
Coding change: c.4033A>T on transcript NM_001372.4 (MANE Select); coding-DNA position 4033, A replaced by T.
Protein change: p.Asn1345Tyr; replaces asparagine 1345 with tyrosine.
Molecular consequence: missense variant.
Genome position (GRCh38, 1-based): chr17:11,689,855, A>T. VCF-style: chr17-11689855-A-T. GRCh37 (hg19) VCF-style: chr17-11593172-A-T.
Other names: short protein forms N1345Y.
Identifiers: ClinVar variation 4761573 (VCV004761573.1).
Genomic context (GRCh38, chr17:11,689,855, plus strand): 5'-AGGAATATCAACGTGGAAGCCATGGAGTTGGAGTGCAAACAGTTTGCCCGGCATATCCGA[A>T]ACCTGGACAAGGAGGTCAGGGCCTGGGATGCATTCACAGGCCTGGAAAGCACTGTGTGGA-3'
Protein context (NP_001363.2, residues 1335-1355): ECKQFARHIR[Asn1345Tyr]LDKEVRAWDA

ClinVar aggregate classification (germline): Uncertain significance (1 of 4 stars; one submission).

gnomAD v4.1: 1 of 1,611,290 alleles (0.000062%); highest among the groups gnomAD compares: Non-Finnish European, 0.000085%; no homozygotes.

Submission:

Labcorp Genetics (formerly Invitae), Labcorp
Classification: Uncertain significance. Last evaluated: 2025-11-27. Review status: criteria provided, single submitter. Criteria: Invitae Variant Classification Sherloc (09022015). Collection method: clinical testing. Allele origin: germline.
Comment: This sequence change replaces asparagine, which is neutral and polar, with tyrosine, which is neutral and polar, at codon 1345 of the DNAH9 protein (p.Asn1345Tyr). This variant is not present in population databases (gnomAD no frequency). This variant has not been reported in the literature in individuals affected with DNAH9-related conditions. Invitae Evidence Modeling of protein sequence and biophysical properties (such as structural, functional, and spatial information, amino acid conservation, physicochemical variation, residue mobility, and thermodynamic stability) has been performed for this missense variant. However, the output from this modeling did not meet the statistical confidence thresholds required to predict the impact of this variant on DNAH9 protein function. In summary, the available evidence is currently insufficient to determine the role of this variant in disease. Therefore, it has been classified as a Variant of Uncertain Significance.